The following is an entry in ClinVar:

ClinVar aggregate classification (germline): Uncertain significance (1 of 4 stars; one submission).

Conditions:
Cardiovascular phenotype. Identifiers: MedGen CN230736.

Submission:

Ambry Genetics
Classification: Uncertain significance for Cardiovascular phenotype. Last evaluated: 2021-08-31. Review status: criteria provided, single submitter. Criteria: Ambry Variant Classification Scheme 2023. Collection method: clinical testing. Allele origin: germline.
Comment: The p.R684M variant (also known as c.2051G>T), located in coding exon 9 of the RBM20 gene, results from a G to T substitution at nucleotide position 2051. The arginine at codon 684 is replaced by methionine, an amino acid with similar properties. This amino acid position is conserved. In addition, the in silico prediction for this alteration is inconclusive. Since supporting evidence is limited at this time, the clinical significance of this alteration remains unclear.

NM_001134363.3(RBM20):c.2051G>T (p.Arg684Met)

Gene: RBM20 (RNA binding motif protein 20; plus strand). Cytogenetic location: 10q25.2.
Variant type: single nucleotide variant.
Coding change: c.2051G>T on transcript NM_001134363.3 (MANE Select); coding-DNA position 2051, G replaced by T.
Protein change: p.Arg684Met; replaces arginine 684 with methionine.
Molecular consequence: missense variant.
Genome position (GRCh38, 1-based): chr10:110,812,448, G>T. VCF-style: chr10-110812448-G-T. GRCh37 (hg19) VCF-style: chr10-112572206-G-T.
Other names: short protein forms R684M.
Identifiers: ClinVar variation 1785082 (VCV001785082.2), dbSNP rs529262759, ClinGen allele CA378371165.